The following is an entry in ClinVar:

NM_001378452.1(ITPR1):c.5396G>A (p.Ser1799Asn)

Gene: ITPR1 (inositol 1,4,5-trisphosphate receptor type 1; plus strand). Cytogenetic location: 3p26.1.
Variant type: single nucleotide variant.
Coding change: c.5396G>A on transcript NM_001378452.1 (MANE Select); coding-DNA position 5396, G replaced by A.
Protein change: p.Ser1799Asn; replaces serine 1799 with asparagine.
Molecular consequence: missense variant.
Genome position (GRCh38, 1-based): chr3:4,735,206, G>A. VCF-style: chr3-4735206-G-A. GRCh37 (hg19) VCF-style: chr3-4776890-G-A.
Other names: c.5252G>A, p.Ser1751Asn (NM_001099952.4); c.5351G>A, p.Ser1784Asn (NM_001168272.2); c.5207G>A, p.Ser1736Asn (NM_002222.7); short protein forms S1736N, S1784N, S1751N, S1799N.
Identifiers: ClinVar variation 1941706 (VCV001941706.5), dbSNP rs764338119, ClinGen allele CA2232334.

ClinVar aggregate classification (germline): Uncertain significance (1 of 4 stars; one submission).

Allele frequency attached by ClinVar (database versions not stated): gnomAD 0.00001; TOPMed 0.00002.
gnomAD v4.1: 4 of 1,613,884 alleles (0.00025%); highest among the groups gnomAD compares: African/African-American, 0.004%; no homozygotes.

Submission:

Labcorp Genetics (formerly Invitae), Labcorp
Classification: Uncertain significance. Last evaluated: 2022-07-01. Review status: criteria provided, single submitter. Criteria: Invitae Variant Classification Sherloc (09022015). Collection method: clinical testing. Allele origin: germline.
Comment: This sequence change replaces serine, which is neutral and polar, with asparagine, which is neutral and polar, at codon 1736 of the ITPR1 protein (p.Ser1736Asn). This variant is present in population databases (rs764338119, gnomAD 0.01%). This variant has not been reported in the literature in individuals affected with ITPR1-related conditions. Algorithms developed to predict the effect of missense changes on protein structure and function are either unavailable or do not agree on the potential impact of this missense change (SIFT: "Deleterious"; PolyPhen-2: "Benign"; Align-GVGD: "Class C0"). In summary, the available evidence is currently insufficient to determine the role of this variant in disease. Therefore, it has been classified as a Variant of Uncertain Significance.